The following is an entry in ClinVar:

NM_000170.3(GLDC):c.2552T>G (p.Leu851Arg)

Gene: GLDC (glycine decarboxylase; minus strand). Cytogenetic location: 9p24.1.
Variant type: single nucleotide variant.
Coding change: c.2552T>G on transcript NM_000170.3 (MANE Select); coding-DNA position 2552, T replaced by G.
Protein change: p.Leu851Arg; replaces leucine 851 with arginine.
Molecular consequence: missense variant.
Genome position (GRCh38, 1-based): chr9:6,550,820, A>C on the plus strand (T>G on the coding strand, the complement: GLDC is on the minus strand). VCF-style: chr9-6550820-A-C. GRCh37 (hg19) VCF-style: chr9-6550820-A-C.
Other names: short protein forms L851R.
Identifiers: ClinVar variation 1321266 (VCV001321266.1), dbSNP rs753948580, ClinGen allele CA4980176.
Genomic context (GRCh38, chr9:6,550,820, plus strand): 5'-AAGAAAAAAACCAAAGTAATGATAGATTAAAGTTGATACTTGCCTCTTGCACCCCTGAAA[A>C]GAATTCTGTAGTGTGTTTCTAATCGCTTGGCCATGTAGTTGGCATTTAATATCGCAGTTT-3'
Protein context (NP_000161.2, residues 841-861): AKRLETHYRI[Leu851Arg]FRGARGYVGH

ClinVar aggregate classification (germline): Uncertain significance (1 of 4 stars; one submission).

Conditions:
Glycine encephalopathy. Also called: Non-ketotic hyperglycinemia; Nonketotic hyperglycinemia. Identifiers: Orphanet 407, MedGen C0751748, MONDO:0011612, HP:0008288.

gnomAD v4.1: 1 of 1,611,492 alleles (0.000062%); highest among the groups gnomAD compares: East Asian, 0.0022%; no homozygotes.

Submission:

3billion
Classification: Uncertain significance for Glycine encephalopathy 1. Last evaluated: 2021-10-25. Review status: criteria provided, single submitter. Criteria: ACMG Guidelines, 2015. Collection method: clinical testing. Allele origin: unknown. Affected: yes. Observed: 1 heterozygote.
Comment: The variant is observed at an extremely low frequency in the gnomAD v2.1.1 dataset (total allele frequency: 0.000004, PM2). In silico tool predictions suggest damaging effect of the variant on gene or gene product (REVEL:0.866, 3Cnet: 0.959, PP3). Therefore, this variant is classified as uncertain significance according to the recommendation of ACMG/AMP guideline.